The following is an entry in ClinVar:

NM_001145860.2(POP1):c.505C>G (p.Gln169Glu)

Gene: POP1 (POP1 homolog, ribonuclease P/MRP subunit; plus strand). Cytogenetic location: 8q22.2.
Variant type: single nucleotide variant.
Coding change: c.505C>G on transcript NM_001145860.2 (MANE Select); coding-DNA position 505, C replaced by G.
Protein change: p.Gln169Glu; replaces glutamine 169 with glutamic acid.
Molecular consequence: missense variant.
Genome position (GRCh38, 1-based): chr8:98,129,996, C>G. VCF-style: chr8-98129996-C-G. GRCh37 (hg19) VCF-style: chr8-99142224-C-G.
Other names: c.505C>G, p.Gln169Glu (NM_001145861.2, NM_015029.3); c.505C>G (NM_015029.2); short protein forms Q169E.
Identifiers: ClinVar variation 1449780 (VCV001449780.8), dbSNP rs748243723, ClinGen allele CA4820342.

ClinVar aggregate classification (germline): Uncertain significance. Review status: criteria provided, multiple submitters, no conflicts (2 of 4 stars). 2 submissions from 2 submitters: Uncertain significance (2). Last evaluated 2024-05-29.

Conditions:
Inborn genetic diseases. Identifiers: MedGen C0950123, MeSH D030342.

Allele frequency attached by ClinVar (database versions not stated): TOPMed 0.00001; gnomAD 0.00003; ExAC 0.00006; gnomAD exomes 0.00006.
gnomAD v4.1: 66 of 1,613,818 alleles (0.0041%); highest among the groups gnomAD compares: South Asian, 0.069%; 1 homozygote.

Submissions (2):

Ambry Genetics
Classification: Uncertain significance for Inborn genetic diseases. Last evaluated: 2024-05-29. Review status: criteria provided, single submitter. Criteria: Ambry Variant Classification Scheme 2023. Collection method: clinical testing. Allele origin: germline.

Labcorp Genetics (formerly Invitae), Labcorp
Classification: Uncertain significance. Last evaluated: 2022-10-17. Review status: criteria provided, single submitter. Criteria: Invitae Variant Classification Sherloc (09022015). Collection method: clinical testing. Allele origin: germline.
Comment: This sequence change replaces glutamine, which is neutral and polar, with glutamic acid, which is acidic and polar, at codon 169 of the POP1 protein (p.Gln169Glu). This variant has not been reported in the literature in individuals affected with POP1-related conditions. This variant is present in population databases (rs748243723, gnomAD 0.05%). ClinVar contains an entry for this variant (Variation ID: 1449780). Algorithms developed to predict the effect of missense changes on protein structure and function (SIFT, PolyPhen-2, Align-GVGD) all suggest that this variant is likely to be tolerated. In summary, the available evidence is currently insufficient to determine the role of this variant in disease. Therefore, it has been classified as a Variant of Uncertain Significance.